The following is an entry in ClinVar:

ClinVar aggregate classification (germline): Uncertain significance. Review status: criteria provided, multiple submitters, no conflicts (2 of 4 stars). 2 submissions from 2 submitters: Uncertain significance (2). Last evaluated 2024-02-02.

Conditions:
Inborn genetic diseases. Identifiers: MedGen C0950123, MeSH D030342.

Allele frequency attached by ClinVar (database versions not stated): gnomAD exomes below 0.00001.
gnomAD v4.1: 6 of 1,613,988 alleles (0.00037%); highest among the groups gnomAD compares: African/African-American, 0.0067%; no homozygotes.

Submissions (2):

Ambry Genetics
Classification: Uncertain significance for Inborn genetic diseases. Last evaluated: 2024-02-02. Review status: criteria provided, single submitter. Criteria: Ambry Variant Classification Scheme 2023. Collection method: clinical testing. Allele origin: germline.

Labcorp Genetics (formerly Invitae), Labcorp
Classification: Uncertain significance. Last evaluated: 2022-09-27. Review status: criteria provided, single submitter. Criteria: Invitae Variant Classification Sherloc (09022015). Collection method: clinical testing. Allele origin: germline.
Comment: This sequence change replaces serine, which is neutral and polar, with arginine, which is basic and polar, at codon 2360 of the MYO18B protein (p.Ser2360Arg). This variant is not present in population databases (gnomAD no frequency). This variant has not been reported in the literature in individuals affected with MYO18B-related conditions. Algorithms developed to predict the effect of missense changes on protein structure and function are either unavailable or do not agree on the potential impact of this missense change (SIFT: "Not Available"; PolyPhen-2: "Benign"; Align-GVGD: "Not Available"). In summary, the available evidence is currently insufficient to determine the role of this variant in disease. Therefore, it has been classified as a Variant of Uncertain Significance.

NM_032608.7(MYO18B):c.7078A>C (p.Ser2360Arg)

Gene: MYO18B (myosin XVIIIB; plus strand). Cytogenetic location: 22q12.1.
Variant type: single nucleotide variant.
Coding change: c.7078A>C on transcript NM_032608.7 (MANE Select); coding-DNA position 7078, A replaced by C.
Protein change: p.Ser2360Arg; replaces serine 2360 with arginine.
Molecular consequence: missense variant.
Genome position (GRCh38, 1-based): chr22:26,027,052, A>C. VCF-style: chr22-26027052-A-C. GRCh37 (hg19) VCF-style: chr22-26423018-A-C.
Other names: c.7081A>C, p.Ser2361Arg (NM_001318245.2); c.7078A>C (NM_032608.5); short protein forms S2360R, S2361R.
Identifiers: ClinVar variation 1934346 (VCV001934346.3), dbSNP rs868555426, ClinGen allele CA322815468.
Genomic context (GRCh38, chr22:26,027,052, plus strand): 5'-CTCCCCGAAAAGTCGAAAACCCAATTCAGTTCCTGCGAGTCCCTCTTAGAATCCAGACCG[A>C]GCATGGGGAGAAAACTGAGCTCTCCGACCACACCCAGGGACATGCTGTTGTCGCCCACAC-3'
Protein context (NP_115997.5, residues 2350-2370): SCESLLESRP[Ser2360Arg]MGRKLSSPTT